The following is an entry in ClinVar:

NM_001082486.2(ACD):c.1117_1125dup (p.Phe375_Val376insLysGluPhe)

Gene: ACD (ACD shelterin complex subunit and telomerase recruitment factor; minus strand). Cytogenetic location: 16q22.1.
Variant type: Duplication.
Coding change: c.1117_1125dup on transcript NM_001082486.2 (MANE Select); coding-DNA positions 1117 to 1125, 9 bases duplicated (AAGGAGTTT; older notation c.1117_1125dupAAGGAGTTT).
Protein change: p.Phe375_Val376insLysGluPhe.
Genome position (GRCh38, 1-based): chr16:67,658,067-67,658,075, AAACTCCTT duplicated on the plus strand (AAGGAGTTT on the coding strand, the reverse complement: ACD is on the minus strand). VCF-style (leftmost placement, unchanged base first): chr16-67658066-C-CAAACTCCTT. GRCh37 (hg19) VCF-style: chr16-67691969-C-CAAACTCCTT.
Other names: c.1030_1038dup, p.Phe346_Val347insLysGluPhe (NM_001410884.1); c.1108_1116dup, p.Phe372_Val373insLysGluPhe (NM_022914.3).
Identifiers: ClinVar variation 3648232 (VCV003648232.2).

ClinVar aggregate classification (germline): Uncertain significance (1 of 4 stars; one submission).

Conditions:
Dyskeratosis congenita, autosomal dominant 6 (DKCA6). Identifiers: Orphanet 3322, MedGen C4225284, MONDO:0014690, OMIM 616553.

Submission:

Labcorp Genetics (formerly Invitae), Labcorp
Classification: Uncertain significance for Dyskeratosis congenita, autosomal dominant 6. Last evaluated: 2024-03-30. Review status: criteria provided, single submitter. Criteria: Invitae Variant Classification Sherloc (09022015). Collection method: clinical testing. Allele origin: germline.
Comment: This variant, c.1375_1383dup, results in the insertion of 3 amino acid(s) of the ACD protein (p.Lys459_Phe461dup), but otherwise preserves the integrity of the reading frame. This variant is not present in population databases (gnomAD no frequency). This variant has not been reported in the literature in individuals affected with ACD-related conditions. Experimental studies and prediction algorithms are not available or were not evaluated, and the functional significance of this variant is currently unknown. In summary, the available evidence is currently insufficient to determine the role of this variant in disease. Therefore, it has been classified as a Variant of Uncertain Significance.